The following is an entry in ClinVar:

NM_001943.5(DSG2):c.325G>A (p.Gly109Arg)

Gene: DSG2 (desmoglein 2; plus strand). Cytogenetic location: 18q12.1.
Variant type: single nucleotide variant.
Coding change: c.325G>A on transcript NM_001943.5 (MANE Select); coding-DNA position 325, G replaced by A.
Protein change: p.Gly109Arg; replaces glycine 109 with arginine.
Molecular consequence: missense variant.
Genome position (GRCh38, 1-based): chr18:31,520,911, G>A. VCF-style: chr18-31520911-G-A. GRCh37 (hg19) VCF-style: chr18-29100874-G-A.
Other names: short protein forms G109R.
Identifiers: ClinVar variation 2742121 (VCV002742121.3), dbSNP rs2510910851, ClinGen allele CA402131576.

ClinVar aggregate classification (germline): Uncertain significance (1 of 4 stars; one submission).

Conditions:
Arrhythmogenic right ventricular dysplasia 10. Also called: Arrhythmogenic right ventricular dysplasia/cardiomyopathy, type 10; Arrhythmogenic Right Ventricular Dysplasia/Cardiomyopathy10; ARRHYTHMOGENIC RIGHT VENTRICULAR DYSPLASIA, FAMILIAL, 10. Identifiers: MedGen C1857777, MONDO:0012434, OMIM 610193.

Submission:

Labcorp Genetics (formerly Invitae), Labcorp
Classification: Uncertain significance for Arrhythmogenic right ventricular dysplasia 10. Last evaluated: 2023-07-12. Review status: criteria provided, single submitter. Criteria: Invitae Variant Classification Sherloc (09022015). Collection method: clinical testing. Allele origin: germline.
Comment: This variant is not present in population databases (gnomAD no frequency). In summary, the available evidence is currently insufficient to determine the role of this variant in disease. Therefore, it has been classified as a Variant of Uncertain Significance. Advanced modeling of protein sequence and biophysical properties (such as structural, functional, and spatial information, amino acid conservation, physicochemical variation, residue mobility, and thermodynamic stability) has been performed at Invitae for this missense variant, however the output from this modeling did not meet the statistical confidence thresholds required to predict the impact of this variant on DSG2 protein function. This variant has not been reported in the literature in individuals affected with DSG2-related conditions. This sequence change replaces glycine, which is neutral and non-polar, with arginine, which is basic and polar, at codon 109 of the DSG2 protein (p.Gly109Arg).